The following is an entry in ClinVar:

NM_001349253.2(SCN11A):c.4282G>A (p.Gly1428Ser)

Gene: SCN11A (sodium voltage-gated channel alpha subunit 11; minus strand). Cytogenetic location: 3p22.2.
Variant type: single nucleotide variant.
Coding change: c.4282G>A on transcript NM_001349253.2 (MANE Select); coding-DNA position 4282, G replaced by A.
Protein change: p.Gly1428Ser; replaces glycine 1428 with serine.
Molecular consequence: missense variant.
Genome position (GRCh38, 1-based): chr3:38,850,526, C>T on the plus strand (G>A on the coding strand, the complement: SCN11A is on the minus strand). VCF-style: chr3-38850526-C-T. GRCh37 (hg19) VCF-style: chr3-38892017-C-T.
Other names: c.4282G>A, p.Gly1428Ser (NM_014139.3); short protein forms G1428S.
Identifiers: ClinVar variation 541573 (VCV000541573.27), dbSNP rs201336927, ClinGen allele CA2321560.

ClinVar aggregate classification (germline): Conflicting classifications of pathogenicity. Review status: criteria provided, conflicting classifications (1 of 4 stars). 9 submissions from 9 submitters: Uncertain significance (1); Likely benign (6). 2 of the submissions do not count toward it. Last evaluated 2026-05-01.

Conditions:
Inborn genetic diseases. Identifiers: MedGen C0950123, MeSH D030342.
Hereditary sensory and autonomic neuropathy type 7. Also called: Neuropathy, hereditary sensory and autonomic, type VII; HSAN VII. Identifiers: Orphanet 391397, MedGen C3809882, MONDO:0014244, OMIM 615548.
Familial episodic pain syndrome with predominantly lower limb involvement. Also called: Episodic pain syndrome, familial, 3. Identifiers: Orphanet 391384, Orphanet 391392, MedGen C3809899, MONDO:0014247, OMIM 615552.
SCN11A-related disorder. Also called: SCN11A-related condition.

Allele frequency attached by ClinVar (database versions not stated): gnomAD 0.00012 and 0.00013; ESP Exome Variant Server 0.00015; TOPMed 0.00016; gnomAD exomes 0.00021 and 0.00031.
gnomAD v4.1: 471 of 1,613,578 alleles (0.029%); highest among the groups gnomAD compares: Non-Finnish European, 0.038%; no homozygotes.

Submissions (9):

CeGaT Center for Human Genetics Tuebingen
Classification: Likely benign. Last evaluated: 2026-05-01. Review status: criteria provided, single submitter. Criteria: CeGaT Center For Human Genetics Tuebingen Variant Classification Criteria Version 2. Collection method: clinical testing. Allele origin: germline. Affected: yes. Observed: 2 variant alleles.
Comment: SCN11A: BS1

Labcorp Genetics (formerly Invitae), Labcorp
Classification: Uncertain significance for Familial episodic pain syndrome with predominantly lower limb involvement; Hereditary sensory and autonomic neuropathy type 7. Last evaluated: 2025-08-21. Review status: criteria provided, single submitter. Criteria: Invitae Variant Classification Sherloc (09022015). Collection method: clinical testing. Allele origin: germline.
Comment: This sequence change replaces glycine, which is neutral and non-polar, with serine, which is neutral and polar, at codon 1428 of the SCN11A protein (p.Gly1428Ser). This variant is present in population databases (rs201336927, gnomAD 0.04%), and has an allele count higher than expected for a pathogenic variant. This missense change has been observed in individual(s) with small fiber neuropathy (PMID: 30554136). ClinVar contains an entry for this variant (Variation ID: 541573). Invitae Evidence Modeling of protein sequence and biophysical properties (such as structural, functional, and spatial information, amino acid conservation, physicochemical variation, residue mobility, and thermodynamic stability) indicates that this missense variant is not expected to disrupt SCN11A protein function with a negative predictive value of 80%. In summary, the available evidence is currently insufficient to determine the role of this variant in disease. Therefore, it has been classified as a Variant of Uncertain Significance.

PreventionGenetics, part of Exact Sciences
Classification: Likely benign for SCN11A-related condition. Last evaluated: 2025-08-19. Review status: criteria provided, single submitter. Criteria: ACMG Guidelines, 2015. Collection method: clinical testing. Allele origin: germline.
Comment: This variant is classified as likely benign based on ACMG/AMP sequence variant interpretation guidelines (Richards et al. 2015 PMID: 25741868, with internal and published modifications).

Women's Health and Genetics/Laboratory Corporation of America, LabCorp
Classification: Likely benign. Last evaluated: 2025-06-04. Review status: criteria provided, single submitter. Criteria: LabCorp Variant Classification Summary - May 2015. Collection method: clinical testing. Allele origin: germline.
Comment: Variant summary: SCN11A c.4282G>A (p.Gly1428Ser) results in a non-conservative amino acid change located in the Ion transport domain (IPR005821) of the encoded protein sequence. Algorithms developed to predict the effect of missense changes on protein structure and function all suggest that this variant is likely to be disruptive. The variant allele was found at a frequency of 0.00021 in 250742 control chromosomes. The observed variant frequency is approximately 207 fold of the estimated maximal expected allele frequency for a pathogenic variant in SCN11A causing Hereditary sensory and autonomic neuropathy type 7 phenotype (1e-06). c.4282G>A has been reported in the literature in individuals affected with clinical features of SCN11A-related conditions (e.g., Eijkenboom_2018, Valentino_2021). However, these data do not allow any conclusion about variant significance. To our knowledge, no experimental evidence demonstrating an impact on protein function has been reported. ClinVar contains an entry for this variant (Variation ID: 541573). The following publications have been ascertained in the context of this evaluation (PMID: 30554136, 34356170). Based on the evidence outlined above, the variant was classified as likely benign.

Blueprint Genetics
Classification: Likely benign. Last evaluated: 2024-10-28. Review status: criteria provided, single submitter. Criteria: ACMG Guidelines, 2015. Collection method: clinical testing. Allele origin: germline.

Ambry Genetics
Classification: Likely benign for Inborn genetic diseases. Last evaluated: 2019-09-06. Review status: criteria provided, single submitter. Criteria: Ambry Variant Classification Scheme 2023. Collection method: clinical testing. Allele origin: germline.

GeneDx
Classification: Likely benign. Last evaluated: 2019-03-28. Review status: criteria provided, single submitter. Criteria: GeneDx Variant Classification Process June 2021. Collection method: clinical testing. Allele origin: germline. Affected: yes.

Clinical Genetics, Academic Medical Center
Classification: Uncertain significance. Review status: no assertion criteria provided. Collection method: clinical testing. Allele origin: germline. Affected: yes. Study: VKGL Data-share Consensus. Not counted in ClinVar's aggregate classification.

Joint Genome Diagnostic Labs from Nijmegen and Maastricht, Radboudumc and MUMC+
Classification: Uncertain significance. Review status: no assertion criteria provided. Collection method: clinical testing. Allele origin: germline. Affected: yes. Study: VKGL Data-share Consensus. Not counted in ClinVar's aggregate classification.

Literature cited by the submitters: PubMed 30554136 (cited by Labcorp Genetics (formerly Invitae), Labcorp and Women's Health and Genetics/Laboratory Corporation of America, LabCorp); PubMed 34356170 (cited by Women's Health and Genetics/Laboratory Corporation of America, LabCorp).